The following is an entry in ClinVar:

ClinVar aggregate classification (germline): Uncertain significance (1 of 4 stars; one submission).

Conditions:
Diamond-Blackfan anemia. Also called: Blackfan Diamond syndrome; Aregenerative anemia chronic congenital; Red cell aplasia, pure hereditary; Congenital hypoplastic anemia; Aase syndrome. Identifiers: Orphanet 124, MedGen C1260899, MeSH D029503, MONDO:0015253, HP:0004810.

Submission:

Ambry Genetics
Classification: Uncertain significance for Diamond-Blackfan anemia. Last evaluated: 2017-07-01. Review status: criteria provided, single submitter. Criteria: Ambry Variant Classification Scheme 2023. Collection method: clinical testing. Allele origin: germline.
Comment: The p.V45D variant (also known as c.134T>A), located in coding exon 1 of the RPS10 gene, results from a T to A substitution at nucleotide position 134. The valine at codon 45 is replaced by aspartic acid, an amino acid with highly dissimilar properties. This amino acid position is highly conserved in available vertebrate species. In addition, this alteration is predicted to be deleterious by in silico analysis. Since supporting evidence is limited at this time, the clinical significance of this alteration remains unclear.

NM_001014.5(RPS10):c.134T>A (p.Val45Asp)

Genes: RPS10 (ribosomal protein S10; minus strand), RPS10-NUDT3 (RPS10-NUDT3 readthrough; minus strand). Cytogenetic location: 6p21.31.
Variant type: single nucleotide variant.
Coding change: c.134T>A on transcript NM_001014.5 (MANE Select); coding-DNA position 134, T replaced by A.
Protein change: p.Val45Asp; replaces valine 45 with aspartic acid.
Molecular consequence: missense variant.
Genome position (GRCh38, 1-based): chr6:34,425,088, A>T on the plus strand (T>A on the coding strand, the complement: RPS10 is on the minus strand). VCF-style: chr6-34425088-A-T. GRCh37 (hg19) VCF-style: chr6-34392865-A-T.
Other names: c.134T>A, p.Val45Asp (NM_001202470.3, NM_001203245.3, NM_001204091.2); short protein forms V45D.
Identifiers: ClinVar variation 1770576 (VCV001770576.2), dbSNP rs2533032476, ClinGen allele CA363885401.
Genomic context (GRCh38, chr6:34,425,088, plus strand): 5'-CCCGGGGAGGAAGATCCATCCCATCTTCCTCCTCACCCTCCTACCTGCATGGCCTTCATG[A>T]CATGAAGGTTGGGCACATTCTTGTCTGCCAGCTCCGGGTGCTTAGGCATGTGGACATCCT-3'
Protein context (NP_001005.1, residues 35-55): LADKNVPNLH[Val45Asp]MKAMQSLKSR